The following is an entry in ClinVar:

NM_000257.4(MYH7):c.1671G>A (p.Leu557=)

Gene: MYH7 (myosin heavy chain 7; minus strand). Cytogenetic location: 14q11.2.
Variant type: single nucleotide variant.
Coding change: c.1671G>A on transcript NM_000257.4 (MANE Select); coding-DNA position 1671, G replaced by A.
Protein change: p.Leu557=; no amino-acid change (leucine 557 retained).
Molecular consequence: synonymous variant.
Genome position (GRCh38, 1-based): chr14:23,427,802, C>T on the plus strand (G>A on the coding strand, the complement: MYH7 is on the minus strand). VCF-style: chr14-23427802-C-T. GRCh37 (hg19) VCF-style: chr14-23897011-C-T.
Other names: c.1671G>A (LRG_384t1).
Identifiers: ClinVar variation 454346 (VCV000454346.23), dbSNP rs149386750, ClinGen allele CA029081.

ClinVar aggregate classification (germline): Benign/Likely benign. Review status: criteria provided, multiple submitters, no conflicts (2 of 4 stars). 8 submissions from 8 submitters: Benign (1); Likely benign (7). Last evaluated 2026-08-13.

Conditions:
MYH7-related disorder. Also called: MYH7-related condition; MYH7-related disease; MYH7-related disorders.
Cardiovascular phenotype. Identifiers: MedGen CN230736.
Cardiomyopathy (CMYO). Also called: Cardiomyopathies. Identifiers: Orphanet 167848, MedGen C0878544, MONDO:0004994, HP:0001638. Inheritance: Various modes of inheritance.
Hypertrophic cardiomyopathy. Also called: HYPERTROPHIC MYOCARDIOPATHY. Identifiers: Orphanet 217569, MedGen C0007194, MeSH D002312, MONDO:0005045, HP:0001639.

Allele frequency attached by ClinVar (database versions not stated): TOPMed 0.00006; gnomAD 0.00007; ESP Exome Variant Server 0.00023.
gnomAD v4.1: 201 of 1,614,030 alleles (0.012%); highest among the groups gnomAD compares: Non-Finnish European, 0.017%; no homozygotes.

Submissions (8):

PreventionGenetics, part of Exact Sciences
Classification: Likely benign for MYH7-related condition. Last evaluated: 2026-08-13. Review status: criteria provided, single submitter. Criteria: ACMG Guidelines, 2015. Collection method: clinical testing. Allele origin: germline.
Comment: This variant is classified as likely benign based on ACMG/AMP sequence variant interpretation guidelines (Richards et al. 2015 PMID: 25741868, with internal and published modifications).

Labcorp Genetics (formerly Invitae), Labcorp
Classification: Likely benign for Hypertrophic cardiomyopathy. Last evaluated: 2026-01-25. Review status: criteria provided, single submitter. Criteria: Invitae Variant Classification Sherloc (09022015). Collection method: clinical testing. Allele origin: germline.

Blueprint Genetics
Classification: Likely benign. Last evaluated: 2024-04-16. Review status: criteria provided, single submitter. Criteria: ACMG Guidelines, 2015. Collection method: clinical testing. Allele origin: germline.

All of Us Research Program, National Institutes of Health
Classification: Likely benign for Cardiomyopathy. Last evaluated: 2023-12-13. Review status: criteria provided, single submitter. Criteria: ACMG Guidelines, 2015. Collection method: clinical testing. Allele origin: germline. Inheritance: Autosomal dominant inheritance. Observed: 13 variant alleles, 13 heterozygotes.
Comment: This study involves interpretation of variants in research participants for the purpose of population health screening. Participant phenotype was not available at the time of variant classification. Additional details can be found in publication PMID: 35346344, PMCID: PMC8962531

CHEO Genetics Diagnostic Laboratory, Children's Hospital of Eastern Ontario
Classification: Likely benign for Cardiomyopathy. Last evaluated: 2022-11-29. Review status: criteria provided, single submitter. Criteria: ACMG Guidelines, 2015. Collection method: clinical testing. Allele origin: germline.

Color Diagnostics, LLC DBA Color Health
Classification: Likely benign for Cardiomyopathy. Last evaluated: 2018-10-02. Review status: criteria provided, single submitter. Criteria: ACMG Guidelines, 2015. Collection method: clinical testing. Allele origin: germline.

Ambry Genetics
Classification: Likely benign for Cardiovascular phenotype. Last evaluated: 2017-10-17. Review status: criteria provided, single submitter. Criteria: Ambry Variant Classification Scheme 2023. Collection method: clinical testing. Allele origin: germline.

GeneDx
Classification: Benign. Last evaluated: 2015-03-03. Review status: criteria provided, single submitter. Criteria: GeneDx Variant Classification Process June 2021. Collection method: clinical testing. Allele origin: germline. Affected: yes.